The following is an entry in ClinVar:

NM_001378120.1(MBD5):c.-1114GCTACTGCTGCTGCT[1]

Genes: MBD5 (methyl-CpG binding domain protein 5; plus strand), ORC4 (origin recognition complex subunit 4; minus strand). Cytogenetic location: 2q23.1.
Variant type: Microsatellite.
Coding change: c.-1114GCTACTGCTGCTGCT[1] on transcript NM_001378120.1 (MANE Select); one copy of the 15-base unit GCTACTGCTGCTGCT starting at c.-1114; the reference has two copies in a row; one copy, 15 bases deleted.
Molecular consequence: 5 prime UTR variant. On other transcripts: intron variant (2).
Genome position (GRCh38, 1-based): chr2:148,021,510-148,021,524, GCTACTGCTGCTGCT deleted; deleting any 15 consecutive bases within chr2:148,021,484-148,021,524 gives the same sequence; the position shown is the placement nearest the transcript's 3' end. VCF-style (leftmost placement, unchanged base first): chr2-148021483-GCTGCTGCTGCTGCTA-G. GRCh37 (hg19) VCF-style: chr2-148779052-GCTGCTGCTGCTGCTA-G.
Other names: c.-1173GCTACTGCTGCTGCT[1] (NM_001438854.1, NM_001438856.1, NM_001438860.1); c.-1114GCTACTGCTGCTGCT[1] (NM_001438855.1, NM_001438859.1); c.-1201GCTACTGCTGCTGCT[1] (NM_001438857.1); c.-963GCTACTGCTGCTGCT[1] (NM_001438858.1, NM_001438861.1); c.-961-138_-961-124del (NM_018328.5); c.-925+464_-925+478del (NM_001438862.1).
Identifiers: ClinVar variation 2651402 (VCV002651402.22), dbSNP rs755361381, ClinGen allele CA58192215.
Genomic context (GRCh38, chr2:148,021,483, plus strand): 5'-CCAAAAGCCTCTTAGCAACACAGACCCTTTGCTGCTGCTGTTGCTGCTGCTGCTGCTGTT[GCTGCTGCTGCTGCTA>G]CTGCTGCTGCTGCTACTGCTGCTGCTTGGCCCTGGCTGGAGACATCTCACTACACCCAGG-3'

ClinVar aggregate classification (germline): Likely benign (1 of 4 stars; one submission).

Submission:

CeGaT Center for Human Genetics Tuebingen
Classification: Likely benign. Last evaluated: 2026-05-01. Review status: criteria provided, single submitter. Criteria: CeGaT Center For Human Genetics Tuebingen Variant Classification Criteria Version 2. Collection method: clinical testing. Allele origin: germline. Affected: yes. Observed: 5 variant alleles.
Comment: MBD5: BS1